The following is an entry in ClinVar:

NR_001566.3(TERC):n.202T>C

Genes: TERC (telomerase RNA component; minus strand), LOC110806306 (telomerase RNA component (TERC) promoter; plus strand). Cytogenetic location: 3q26.2.
Variant type: single nucleotide variant.
Genome position: GRCh38 VCF-style: chr3-169764859-A-G. GRCh37 (hg19) VCF-style: chr3-169482647-A-G.
Identifiers: ClinVar variation 465765 (VCV000465765.39), dbSNP rs1277188982, ClinGen allele CA436715427.

ClinVar aggregate classification (germline): Uncertain significance. Review status: criteria provided, multiple submitters, no conflicts (2 of 4 stars). 3 submissions from 3 submitters: Uncertain significance (2). 1 of the submissions does not count toward it. Last evaluated 2026-09-02.

Conditions:
TERC-related disorder. Also called: TERC-related condition.
Pulmonary fibrosis. Identifiers: MedGen C0034069, MONDO:0002771, HP:0002206.
Dyskeratosis congenita, autosomal dominant 1 (DKCA1). Also called: Dyskeratosis congenita Scoggins type. Identifiers: Orphanet 1775, MedGen C4551974, MONDO:0007485, OMIM 127550. Inheritance: Variable.

Allele frequency attached by ClinVar (database versions not stated): TOPMed below 0.00001; gnomAD 0.00001.

Submissions (3):

PreventionGenetics, part of Exact Sciences
Classification: Uncertain significance for TERC-related condition. Last evaluated: 2026-09-02. Review status: criteria provided, single submitter. Criteria: ACMG Guidelines, 2015. Collection method: clinical testing. Allele origin: germline.
Comment: The TERC n.202T>C is a noncoding alteration. This variant has been reported with uncertain significance in a study of individuals with idiopathic pulmonary fibrosis or familial pulmonary fibrosis (reported as n.189T>C, Table S4, Zhang et al. 2022. PubMed ID: 36028256). This variant has not been reported in a large population database (gnomAD), indicating this variant is rare. This variant is interpreted with uncertain significance or as a likely risk allele in ClinVar (Variation ID: 465765). A similar variant, n.202T>G, has been reported in the homozygous state in two affected siblings with pulmonary fibrosis, nail dystrophy, abnormal skin pigmentation, and leukoplakia; however, further segregation studies in additional affected family members were not available (Family 18, Collopy et al. 2015. PubMed ID: 26024875). Functional studies show that the n.202T>G variant possesses ~92% of control telomerase activity (Collopy et al. 2015. PubMed ID: 26024875). At this time, the clinical significance of the n.202T>C variant is uncertain due to the absence of conclusive functional and genetic evidence.

Labcorp Genetics (formerly Invitae), Labcorp
Classification: Uncertain significance for Dyskeratosis congenita, autosomal dominant 1. Last evaluated: 2026-01-26. Review status: criteria provided, single submitter. Criteria: Invitae Variant Classification Sherloc (09022015). Collection method: clinical testing. Allele origin: germline.
Comment: This variant occurs in the TERC gene, which encodes an RNA molecule that does not result in a protein product. This variant is not present in population databases (gnomAD no frequency). This variant has not been reported in the literature in individuals affected with TERC-related conditions. ClinVar contains an entry for this variant (Variation ID: 465765). This variant is located within the hypervariable region that is not conserved in the TERC RNA component (PMID: 10721988, 21844345). The functional significance of this region is not well understood. In summary, the available evidence is currently insufficient to determine the role of this variant in disease. Therefore, it has been classified as a Variant of Uncertain Significance.

Garcia Pulmonary Genetics Research Laboratory, Columbia University Irving Medical Center
Classification: Likely risk allele for Pulmonary fibrosis. Last evaluated: 2022-06-09. Review status: no assertion criteria provided. Collection method: research. Allele origin: germline. Affected: yes. Not counted in ClinVar's aggregate classification.
Comment: Leukocyte telomere length (by qPCR) less than 10th percentile age-adjusted

Literature cited by the submitters: PubMed 10721988 (cited by Labcorp Genetics (formerly Invitae), Labcorp); PubMed 21844345 (cited by Labcorp Genetics (formerly Invitae), Labcorp).